The following is an entry in ClinVar:

NM_001100.4(ACTA1):c.203C>T (p.Thr68Ile)

Gene: ACTA1 (actin alpha 1, skeletal muscle; minus strand). Cytogenetic location: 1q42.13.
Variant type: single nucleotide variant.
Coding change: c.203C>T on transcript NM_001100.4 (MANE Select); coding-DNA position 203, C replaced by T.
Protein change: p.Thr68Ile; replaces threonine 68 with isoleucine.
Molecular consequence: missense variant.
Genome position (GRCh38, 1-based): chr1:229,432,807, G>A on the plus strand (C>T on the coding strand, the complement: ACTA1 is on the minus strand). VCF-style: chr1-229432807-G-A. GRCh37 (hg19) VCF-style: chr1-229568554-G-A.
Other names: short protein forms T68I.
Identifiers: ClinVar variation 4746928 (VCV004746928.1).

ClinVar aggregate classification (germline): Uncertain significance (1 of 4 stars; one submission).

Conditions:
Actin accumulation myopathy (CMYO2A). Also called: Myopathy, actin, congenital, with cores; Nemaline myopathy 3, with intranuclear rods; Nemaline myopathy type 3; Myopathy, actin, congenital, with excess of thin myofilaments; CONGENITAL MYOPATHY 2A, TYPICAL, AUTOSOMAL DOMINANT. Identifiers: Orphanet 98904, MedGen C3711389, MONDO:0008070, OMIM 161800.

Submission:

Labcorp Genetics (formerly Invitae), Labcorp
Classification: Uncertain significance for Actin accumulation myopathy. Last evaluated: 2025-11-04. Review status: criteria provided, single submitter. Criteria: Invitae Variant Classification Sherloc (09022015). Collection method: clinical testing. Allele origin: germline.
Comment: This sequence change replaces threonine, which is neutral and polar, with isoleucine, which is neutral and non-polar, at codon 68 of the ACTA1 protein (p.Thr68Ile). This variant is not present in population databases (gnomAD no frequency). This missense change has been observed in individual(s) with autosomal dominant nemaline myopathy or clinical features of this condition (PMID: 15198992; internal data). In at least one individual the variant was observed to be de novo. This variant is also known as T66I. Invitae Evidence Modeling of protein sequence and biophysical properties (such as structural, functional, and spatial information, amino acid conservation, physicochemical variation, residue mobility, and thermodynamic stability) indicates that this missense variant is not expected to disrupt ACTA1 protein function with a negative predictive value of 80%. Experimental studies are conflicting or provide insufficient evidence to determine the effect of this variant on ACTA1 function (PMID: 15198992). This variant disrupts the p.Thr68 amino acid residue in ACTA1. Other variant(s) that disrupt this residue have been observed in individuals with ACTA1-related conditions (PMID: 35810298), which suggests that this may be a clinically significant amino acid residue. In summary, the available evidence is currently insufficient to determine the role of this variant in disease. Therefore, it has been classified as a Variant of Uncertain Significance.

Literature cited by the submitters: PubMed 15198992; PubMed 35810298.